The following is an entry in ClinVar:

NM_016203.4(PRKAG2):c.1228C>G (p.Leu410Val)

Gene: PRKAG2 (protein kinase AMP-activated non-catalytic subunit gamma 2; minus strand). Cytogenetic location: 7q36.1.
Variant type: single nucleotide variant.
Coding change: c.1228C>G on transcript NM_016203.4 (MANE Select); coding-DNA position 1228, C replaced by G.
Protein change: p.Leu410Val; replaces leucine 410 with valine.
Molecular consequence: missense variant.
Genome position (GRCh38, 1-based): chr7:151,568,721, G>C on the plus strand (C>G on the coding strand, the complement: PRKAG2 is on the minus strand). VCF-style: chr7-151568721-G-C. GRCh37 (hg19) VCF-style: chr7-151265807-G-C.
Other names: c.853C>G, p.Leu285Val (NM_001407029.1, NM_001304527.2); c.940C>G, p.Leu314Val (NM_001407030.1); c.937C>G, p.Leu313Val (NM_001407031.1); c.910C>G, p.Leu304Val (NM_001407032.1); c.904C>G, p.Leu302Val (NM_001407033.1); c.505C>G, p.Leu169Val (NM_001407034.1, NM_001407035.1, NM_024429.2 and 1 more transcripts); c.502C>G, p.Leu168Val (NM_001407036.1, NM_001407039.1, NM_001407040.1); c.565C>G, p.Leu189Val (NM_001407037.1); and 6 more; short protein forms L285V, L286V, L313V, L366V, L169V, L168V, L302V, L304V.
Identifiers: ClinVar variation 3669778 (VCV003669778.2).

ClinVar aggregate classification (germline): Uncertain significance (1 of 4 stars; one submission).

Conditions:
Lethal congenital glycogen storage disease of heart. Also called: PHOSPHORYLASE KINASE DEFICIENCY OF HEART; GLYCOGEN STORAGE DISEASE OF HEART. Identifiers: Orphanet 439854, MedGen C1849813, MONDO:0009867, OMIM 261740.

Submission:

Labcorp Genetics (formerly Invitae), Labcorp
Classification: Uncertain significance for Lethal congenital glycogen storage disease of heart. Last evaluated: 2024-11-04. Review status: criteria provided, single submitter. Criteria: Invitae Variant Classification Sherloc (09022015). Collection method: clinical testing. Allele origin: germline.
Comment: This sequence change replaces leucine, which is neutral and non-polar, with valine, which is neutral and non-polar, at codon 410 of the PRKAG2 protein (p.Leu410Val). This variant is not present in population databases (gnomAD no frequency). This variant has not been reported in the literature in individuals affected with PRKAG2-related conditions. Invitae Evidence Modeling of protein sequence and biophysical properties (such as structural, functional, and spatial information, amino acid conservation, physicochemical variation, residue mobility, and thermodynamic stability) has been performed for this missense variant. However, the output from this modeling did not meet the statistical confidence thresholds required to predict the impact of this variant on PRKAG2 protein function. In summary, the available evidence is currently insufficient to determine the role of this variant in disease. Therefore, it has been classified as a Variant of Uncertain Significance.